The following is an entry in ClinVar:

ClinVar aggregate classification (germline): Uncertain significance (1 of 4 stars; one submission).

Conditions:
Mucopolysaccharidosis, MPS-III-B (MPS3B). Also called: N-ACETYL-ALPHA-D-GLUCOSAMINIDASE DEFICIENCY; NAGLU DEFICIENCY; SANFILIPPO SYNDROME B; MPS III B; MPS IIIB (Sanfilippo Syndrome Type B); MUCOPOLYSACCHARIDOSIS, TYPE IIIB. Identifiers: Orphanet 79270, MedGen C0086648, MONDO:0009656, OMIM 252920.
Charcot-Marie-Tooth disease axonal type 2V. Also called: CHARCOT-MARIE-TOOTH NEUROPATHY, TYPE 2V; CHARCOT-MARIE-TOOTH DISEASE, AXONAL, AUTOSOMAL DOMINANT, TYPE 2V. Identifiers: Orphanet 447964, MedGen C5569050, MONDO:0014665, OMIM 616491.

Submission:

Labcorp Genetics (formerly Invitae), Labcorp
Classification: Uncertain significance for Charcot-Marie-Tooth disease axonal type 2V; Mucopolysaccharidosis, MPS-III-B. Last evaluated: 2021-12-03. Review status: criteria provided, single submitter. Criteria: Invitae Variant Classification Sherloc (09022015). Collection method: clinical testing. Allele origin: germline.
Comment: This sequence change replaces phenylalanine, which is neutral and non-polar, with leucine, which is neutral and non-polar, at codon 678 of the NAGLU protein (p.Phe678Leu). This variant is not present in population databases (gnomAD no frequency). This variant has not been reported in the literature in individuals affected with NAGLU-related conditions. Advanced modeling of protein sequence and biophysical properties (such as structural, functional, and spatial information, amino acid conservation, physicochemical variation, residue mobility, and thermodynamic stability) performed at Invitae indicates that this missense variant is expected to disrupt NAGLU protein function. In summary, the available evidence is currently insufficient to determine the role of this variant in disease. Therefore, it has been classified as a Variant of Uncertain Significance.

NM_000263.4(NAGLU):c.2032T>C (p.Phe678Leu)

Gene: NAGLU (N-acetyl-alpha-glucosaminidase; plus strand). Cytogenetic location: 17q21.2.
Variant type: single nucleotide variant.
Coding change: c.2032T>C on transcript NM_000263.4 (MANE Select); coding-DNA position 2032, T replaced by C.
Protein change: p.Phe678Leu; replaces phenylalanine 678 with leucine.
Molecular consequence: missense variant.
Genome position (GRCh38, 1-based): chr17:42,544,038, T>C. VCF-style: chr17-42544038-T-C. GRCh37 (hg19) VCF-style: chr17-40696056-T-C.
Other names: short protein forms F678L.
Identifiers: ClinVar variation 1444769 (VCV001444769.3), dbSNP rs2143115795, ClinGen allele CA399605933.